The following is an entry in ClinVar:

NM_000489.6(ATRX):c.1574C>G (p.Pro525Arg)

Gene: ATRX (ATRX chromatin remodeler; minus strand). Cytogenetic location: Xq21.1.
Variant type: single nucleotide variant.
Coding change: c.1574C>G on transcript NM_000489.6 (MANE Select); coding-DNA position 1574, C replaced by G.
Protein change: p.Pro525Arg; replaces proline 525 with arginine.
Molecular consequence: missense variant.
Genome position (GRCh38, 1-based): chrX:77,683,682, G>C on the plus strand (C>G on the coding strand, the complement: ATRX is on the minus strand). VCF-style: chrX-77683682-G-C. GRCh37 (hg19) VCF-style: chrX-76939174-G-C.
Other names: c.1460C>G, p.Pro487Arg (NM_138270.5); c.1574C>G (NM_000489.3); short protein forms P487R, P525R.
Identifiers: ClinVar variation 3012925 (VCV003012925.4), dbSNP rs2519984511, ClinGen allele CA413717332.

ClinVar aggregate classification (germline): Uncertain significance. Review status: criteria provided, multiple submitters, no conflicts (2 of 4 stars). 2 submissions from 2 submitters: Uncertain significance (2). Last evaluated 2026-03-05.

Conditions:
Alpha thalassemia-X-linked intellectual disability syndrome (ATRX). Also called: ALPHA-THALASSEMIA/MENTAL RETARDATION SYNDROME, X-LINKED; ATR, NONDELETION TYPE; ATR-X syndrome; Alpha thalassemia mental retardation syndrome, nondeletion type, X-linked; XLMR hypotonic face syndrome; X-linked alpha-thalassemia-mental retardation syndrome. Identifiers: Orphanet 847, MedGen C1845055, MONDO:0010519, OMIM 301040.

Submissions (2):

GeneDx
Classification: Uncertain significance. Last evaluated: 2026-03-05. Review status: criteria provided, single submitter. Criteria: GeneDx Variant Classification Process June 2021. Collection method: clinical testing. Allele origin: germline.
Comment: Not observed at significant frequency in large population cohorts (gnomAD); In silico analysis supports that this missense variant has a deleterious effect on protein structure/function; Has not been previously published as pathogenic or benign to our knowledge

Labcorp Genetics (formerly Invitae), Labcorp
Classification: Uncertain significance for Alpha thalassemia-X-linked intellectual disability syndrome. Last evaluated: 2024-01-19. Review status: criteria provided, single submitter. Criteria: Invitae Variant Classification Sherloc (09022015). Collection method: clinical testing. Allele origin: germline.
Comment: This sequence change replaces proline, which is neutral and non-polar, with arginine, which is basic and polar, at codon 525 of the ATRX protein (p.Pro525Arg). This variant is not present in population databases (gnomAD no frequency). This variant has not been reported in the literature in individuals affected with ATRX-related conditions. Advanced modeling of protein sequence and biophysical properties (such as structural, functional, and spatial information, amino acid conservation, physicochemical variation, residue mobility, and thermodynamic stability) has been performed at Invitae for this missense variant, however the output from this modeling did not meet the statistical confidence thresholds required to predict the impact of this variant on ATRX protein function. In summary, the available evidence is currently insufficient to determine the role of this variant in disease. Therefore, it has been classified as a Variant of Uncertain Significance.